The following is an entry in ClinVar:

ClinVar aggregate classification (germline): Uncertain significance (1 of 4 stars; one submission).

Conditions:
Glycogen storage disease due to muscle and heart glycogen synthase deficiency. Also called: MUSCLE GLYCOGEN SYNTHASE DEFICIENCY; GSD 0b. Identifiers: Orphanet 137625, MedGen C1969054, MONDO:0012693, OMIM 611556.

Submission:

Labcorp Genetics (formerly Invitae), Labcorp
Classification: Uncertain significance for Glycogen storage disease due to muscle and heart glycogen synthase deficiency. Last evaluated: 2021-12-30. Review status: criteria provided, single submitter. Criteria: Invitae Variant Classification Sherloc (09022015). Collection method: clinical testing. Allele origin: germline.
Comment: This sequence change replaces tryptophan, which is neutral and slightly polar, with arginine, which is basic and polar, at codon 693 of the GYS1 protein (p.Trp693Arg). This variant is not present in population databases (gnomAD no frequency). In summary, the available evidence is currently insufficient to determine the role of this variant in disease. Therefore, it has been classified as a Variant of Uncertain Significance. Algorithms developed to predict the effect of missense changes on protein structure and function (SIFT, PolyPhen-2, Align-GVGD) all suggest that this variant is likely to be tolerated. This variant has not been reported in the literature in individuals affected with GYS1-related conditions.

NM_002103.5(GYS1):c.2077T>A (p.Trp693Arg)

Gene: GYS1 (glycogen synthase 1; minus strand). Cytogenetic location: 19q13.33.
Variant type: single nucleotide variant.
Coding change: c.2077T>A on transcript NM_002103.5 (MANE Select); coding-DNA position 2077, T replaced by A.
Protein change: p.Trp693Arg; replaces tryptophan 693 with arginine.
Molecular consequence: missense variant. On other transcripts: non-coding transcript variant (1).
Genome position (GRCh38, 1-based): chr19:48,969,425, A>T on the plus strand (T>A on the coding strand, the complement: GYS1 is on the minus strand). VCF-style: chr19-48969425-A-T. GRCh37 (hg19) VCF-style: chr19-49472682-A-T.
Other names: c.1885T>A, p.Trp629Arg (NM_001161587.2); short protein forms W629R, W693R.
Identifiers: ClinVar variation 2067096 (VCV002067096.4), dbSNP rs2038516582, ClinGen allele CA406759266.